The following is an entry in ClinVar:

ClinVar aggregate classification (germline): Pathogenic (1 of 4 stars; one submission).

Conditions:
Charcot-Marie-Tooth disease axonal type 2S. Also called: CHARCOT-MARIE-TOOTH DISEASE, AXONAL, AUTOSOMAL RECESSIVE, TYPE 2S; CHARCOT-MARIE-TOOTH NEUROPATHY, TYPE 2S. Identifiers: Orphanet 443073, MedGen C4015349, MONDO:0014511, OMIM 616155.
Autosomal recessive distal spinal muscular atrophy 1. Also called: HMN VI; NEURONOPATHY, SEVERE INFANTILE AXONAL, WITH RESPIRATORY FAILURE; SEVERE INFANTILE AXONAL NEUROPATHY WITH RESPIRATORY FAILURE; SPINAL MUSCULAR ATROPHY, DIAPHRAGMATIC; Spinal muscular atrophy with respiratory distress 1; NEURONOPATHY, DISTAL HEREDITARY MOTOR, HARDING TYPE VI. Identifiers: Orphanet 98920, MedGen C1858517, MONDO:0011436, OMIM 604320.

Allele frequency attached by ClinVar (database versions not stated): gnomAD exomes below 0.00001; gnomAD 0.00001.
gnomAD v4.1: 4 of 1,612,928 alleles (0.00025%); highest among the groups gnomAD compares: South Asian, 0.0044%; no homozygotes.

Submission:

Labcorp Genetics (formerly Invitae), Labcorp
Classification: Pathogenic for Autosomal recessive distal spinal muscular atrophy 1; Charcot-Marie-Tooth disease axonal type 2S. Last evaluated: 2023-05-19. Review status: criteria provided, single submitter. Criteria: Invitae Variant Classification Sherloc (09022015). Collection method: clinical testing. Allele origin: germline.
Comment: This variant disrupts a region of the IGHMBP2 protein in which other variant(s) (p.Arg971Glufs*4 ) have been determined to be pathogenic (PMID: 15269181, 25439726, 25568292, 26392352; Invitae). This suggests that this is a clinically significant region of the protein, and that variants that disrupt it are likely to be disease-causing. For these reasons, this variant has been classified as Pathogenic. This variant has not been reported in the literature in individuals affected with IGHMBP2-related conditions. This variant is not present in population databases (gnomAD no frequency). This sequence change creates a premature translational stop signal (p.Arg943*) in the IGHMBP2 gene. While this is not anticipated to result in nonsense mediated decay, it is expected to disrupt the last 51 amino acid(s) of the IGHMBP2 protein.

Literature cited by the submitters: PubMed 15269181; PubMed 25439726; PubMed 25568292; PubMed 26392352.

NM_002180.3(IGHMBP2):c.2827A>T (p.Arg943Ter)

Gene: IGHMBP2 (immunoglobulin mu DNA binding protein 2; plus strand). Cytogenetic location: 11q13.3.
Variant type: single nucleotide variant.
Coding change: c.2827A>T on transcript NM_002180.3 (MANE Select); coding-DNA position 2827, A replaced by T.
Protein change: p.Arg943Ter; replaces arginine 943 with a stop codon.
Molecular consequence: nonsense.
Genome position (GRCh38, 1-based): chr11:68,939,576, A>T. VCF-style: chr11-68939576-A-T. GRCh37 (hg19) VCF-style: chr11-68707044-A-T.
Other names: short protein forms R943*.
Identifiers: ClinVar variation 2947936 (VCV002947936.3), dbSNP rs1859672389, ClinGen allele CA381654833.